The following is an entry in ClinVar:

ClinVar aggregate classification (germline): Conflicting classifications of pathogenicity. Review status: criteria provided, conflicting classifications (1 of 4 stars). 13 submissions from 11 submitters: Uncertain significance (9); Likely benign (1). 3 of the submissions do not count toward it. Last evaluated 2025-09-17.

Conditions:
RYR1-related disorder. Also called: RYR1-related condition; RYR1-related disorders. Identifiers: MedGen CN239331.
Congenital multicore myopathy with external ophthalmoplegia (CMYO1B). Also called: Minicore myopathy with external ophthalmoplegia; MULTIMINICORE DISEASE WITH EXTERNAL OPHTHALMOPLEGIA; Congenital myopathy 1B, autosomal recessive; Minicore myopathy; MULTICORE MYOPATHY. Identifiers: Orphanet 598, Orphanet 98905, MedGen C1850674, MONDO:0009712, OMIM 255320, HP:0003789.
Central core myopathy (CMYO1A). Also called: CONGENITAL MYOPATHY 1A, AUTOSOMAL DOMINANT, WITH SUSCEPTIBILITY TO MALIGNANT HYPERTHERMIA; Central core disease; Myopathy, central fibrillar. Identifiers: Orphanet 597, MedGen C5830701, MONDO:0007294, OMIM 117000.
Inborn genetic diseases. Identifiers: MedGen C0950123, MeSH D030342.
Malignant hyperthermia, susceptibility to, 1 (MHS1). Also called: Malignant hyperthermia suceptibility 1; RYR1-Related Malignant Hyperthermia Susceptibility; Anesthesia related hyperthermia; Malignant hyperpyrexia; Fulminating hyperpyrexia; Pharmacogenic myopathy. Identifiers: Orphanet 423, MedGen C2930980, MONDO:0007783, OMIM 145600.

Allele frequency attached by ClinVar (database versions not stated): gnomAD exomes 0.00004 and 0.00008; gnomAD 0.00005; ExAC 0.00006; TOPMed 0.00007.
gnomAD v4.1: 125 of 1,614,014 alleles (0.0077%); highest among the groups gnomAD compares: Middle Eastern, 0.099%; 2 homozygotes.

Submissions (13):

GeneDx
Classification: Uncertain significance. Last evaluated: 2025-09-17. Review status: criteria provided, single submitter. Criteria: GeneDx Variant Classification Process June 2021. Collection method: clinical testing. Allele origin: germline. Affected: yes.
Comment: Reported previously as a variant of uncertain significance in a family with malignant hyperthermia susceptibility (Heytens L et al. (2019) Acta Anaesth Belg.); In silico analysis supports that this missense variant has a deleterious effect on protein structure/function; This variant is associated with the following publications: (PMID: 32236737, Heytens2019[Article], 37510298)

Labcorp Genetics (formerly Invitae), Labcorp
Classification: Likely benign for RYR1-related disorder. Last evaluated: 2025-06-16. Review status: criteria provided, single submitter. Criteria: Invitae Variant Classification Sherloc (09022015). Collection method: clinical testing. Allele origin: germline.

CeGaT Center for Human Genetics Tuebingen
Classification: Uncertain significance. Last evaluated: 2024-11-01. Review status: criteria provided, single submitter. Criteria: CeGaT Center For Human Genetics Tuebingen Variant Classification Criteria Version 2. Collection method: clinical testing. Allele origin: germline. Affected: yes. Observed: 3 variant alleles.
Comment: RYR1: PM2:Supporting, PP3

All of Us Research Program, National Institutes of Health
Classification: Uncertain significance for Malignant hyperthermia, susceptibility to, 1. Last evaluated: 2024-09-11. Review status: criteria provided, single submitter. Criteria: ACMG Guidelines, 2015. Collection method: clinical testing. Allele origin: germline. Inheritance: Autosomal dominant inheritance. Observed: 26 variant alleles, 26 heterozygotes.
Comment: This missense variant replaces valine with methionine at codon 1436 of the RYR1 protein. Computational prediction is inconclusive regarding the impact of this variant on protein structure and function (internally defined REVEL score threshold 0.5 < inconclusive < 0.7, PMID: 27666373). To our knowledge, functional studies have not been reported for this variant. This variant has been reported in one family affected with malignant hyperthermia susceptibility in the literature. This variant has been identified in 13/282812 chromosomes in the general population by the Genome Aggregation Database (gnomAD). The available evidence is insufficient to determine the role of this variant in disease conclusively. Therefore, this variant is classified as a Variant of Uncertain Significance.

This study involves interpretation of variants in research participants for the purpose of population health screening. Participant phenotype was not available at the time of variant classification. Additional details can be found in publication PMID: 35346344, PMCID: PMC8962531

Color Diagnostics, LLC DBA Color Health
Classification: Uncertain significance for Malignant hyperthermia, susceptibility to, 1. Last evaluated: 2024-04-05. Review status: criteria provided, single submitter. Criteria: ACMG Guidelines, 2015. Collection method: clinical testing. Allele origin: germline.
Comment: This missense variant replaces valine with methionine at codon 1436 of the RYR1 protein. Computational prediction is inconclusive regarding the impact of this variant on protein structure and function. To our knowledge, functional studies have not been reported for this variant. This variant has been reported in one family affected with malignant hyperthermia susceptibility (PMID: 17710899). This variant has been identified in 13/282812 chromosomes in the general population by the Genome Aggregation Database (gnomAD). The available evidence is insufficient to determine the role of this variant in disease conclusively. Therefore, this variant is classified as a Variant of Uncertain Significance.

Revvity Omics, Revvity
Classification: Uncertain significance. Last evaluated: 2022-03-09. Review status: criteria provided, single submitter. Criteria: ACMG Guidelines, 2015. Collection method: clinical testing. Allele origin: germline.

Ambry Genetics
Classification: Uncertain significance for Inborn genetic diseases. Last evaluated: 2021-08-09. Review status: criteria provided, single submitter. Criteria: Ambry Variant Classification Scheme 2023. Collection method: clinical testing. Allele origin: germline.

Illumina Laboratory Services, Illumina
Classification: Uncertain significance for Central core myopathy. Last evaluated: 2018-01-13. Review status: criteria provided, single submitter. Criteria: ICSL Variant Classification Criteria 13 December 2019. Collection method: clinical testing. Allele origin: germline.

Illumina Laboratory Services, Illumina
Classification: Uncertain significance for Congenital multicore myopathy with external ophthalmoplegia. Last evaluated: 2018-01-13. Review status: criteria provided, single submitter. Criteria: ICSL Variant Classification Criteria 13 December 2019. Collection method: clinical testing. Allele origin: germline.

Illumina Laboratory Services, Illumina
Classification: Uncertain significance for Malignant hyperthermia, susceptibility to, 1. Last evaluated: 2018-01-13. Review status: criteria provided, single submitter. Criteria: ICSL Variant Classification Criteria 13 December 2019. Collection method: clinical testing. Allele origin: germline.

PreventionGenetics, part of Exact Sciences
Classification: Uncertain significance for RYR1-related condition. Last evaluated: 2024-06-20. Review status: no assertion criteria provided. Collection method: clinical testing. Allele origin: germline. Not counted in ClinVar's aggregate classification.
Comment: The RYR1 c.4306G>A variant is predicted to result in the amino acid substitution p.Val1436Met. To our knowledge, this variant has not been reported in the literature. This variant is reported in 0.0085% of alleles in individuals of Latino descent in gnomAD. At this time, the clinical significance of this variant is uncertain due to the absence of conclusive functional and genetic evidence.

Genome Diagnostics Laboratory, University Medical Center Utrecht
Classification: Uncertain significance. Review status: no assertion criteria provided. Collection method: clinical testing. Allele origin: germline. Affected: yes. Study: VKGL Data-share Consensus. Not counted in ClinVar's aggregate classification.

Joint Genome Diagnostic Labs from Nijmegen and Maastricht, Radboudumc and MUMC+
Classification: Uncertain significance. Review status: no assertion criteria provided. Collection method: clinical testing. Allele origin: germline. Affected: yes. Study: VKGL Data-share Consensus. Not counted in ClinVar's aggregate classification.

Literature cited by the submitters: PubMed 17710899 (cited by Color Diagnostics, LLC DBA Color Health).

NM_000540.3(RYR1):c.4306G>A (p.Val1436Met)

Gene: RYR1 (ryanodine receptor 1; plus strand). Cytogenetic location: 19q13.2.
Variant type: single nucleotide variant.
Coding change: c.4306G>A on transcript NM_000540.3 (MANE Select); coding-DNA position 4306, G replaced by A.
Protein change: p.Val1436Met; replaces valine 1436 with methionine.
Molecular consequence: missense variant.
Genome position (GRCh38, 1-based): chr19:38,477,722, G>A. VCF-style: chr19-38477722-G-A. GRCh37 (hg19) VCF-style: chr19-38968362-G-A.
Other names: c.4306G>A, p.Val1436Met (NM_001042723.2); short protein forms V1436M.
Identifiers: ClinVar variation 329025 (VCV000329025.66), dbSNP rs200289457, ClinGen allele CA065927.